The following is an entry in ClinVar:

NM_018062.4(FANCL):c.565C>T (p.Gln189Ter)

Gene: FANCL (FA complementation group L; minus strand). Cytogenetic location: 2p16.1.
Variant type: single nucleotide variant.
Coding change: c.565C>T on transcript NM_018062.4 (MANE Select); coding-DNA position 565, C replaced by T.
Protein change: p.Gln189Ter; replaces glutamine 189 with a stop codon.
Molecular consequence: nonsense.
Genome position (GRCh38, 1-based): chr2:58,165,850, G>A on the plus strand (C>T on the coding strand, the complement: FANCL is on the minus strand). VCF-style: chr2-58165850-G-A. GRCh37 (hg19) VCF-style: chr2-58392985-G-A.
Other names: c.580C>T, p.Gln194Ter (NM_001114636.2); c.610C>T, p.Gln204Ter (NM_001374615.1); c.625C>T, p.Gln209Ter (NM_001410792.1); short protein forms Q189*, Q194*, Q204*, Q209*.
Identifiers: ClinVar variation 1319324 (VCV001319324.6), dbSNP rs1191111879, ClinGen allele CA346937969.

ClinVar aggregate classification (germline): Pathogenic. Review status: criteria provided, multiple submitters, no conflicts (2 of 4 stars). 2 submissions from 2 submitters: Pathogenic (2). Last evaluated 2025-09-12.

Conditions:
Fanconi anemia (FA). Also called: Fanconi's anemia. Identifiers: Orphanet 84, MedGen C0015625, MeSH D005199, MONDO:0019391.

Allele frequency attached by ClinVar (database versions not stated): gnomAD exomes below 0.00001; gnomAD 0.00001.
gnomAD v4.1: 2 of 1,613,814 alleles (0.00012%); highest among the groups gnomAD compares: Non-Finnish European, 0.00017%; no homozygotes.

Submissions (2):

Labcorp Genetics (formerly Invitae), Labcorp
Classification: Pathogenic for Fanconi anemia. Last evaluated: 2025-09-12. Review status: criteria provided, single submitter. Criteria: Invitae Variant Classification Sherloc (09022015). Collection method: clinical testing. Allele origin: germline.
Comment: This sequence change creates a premature translational stop signal (p.Gln189*) in the FANCL gene. It is expected to result in an absent or disrupted protein product. Loss-of-function variants in FANCL are known to be pathogenic (PMID: 19405097, 23613520). This variant is present in population databases (no rsID available, gnomAD 0.007%). This variant has not been reported in the literature in individuals affected with FANCL-related conditions. ClinVar contains an entry for this variant (Variation ID: 1319324). For these reasons, this variant has been classified as Pathogenic.

Institute for Clinical Genetics, University Hospital TU Dresden, University Hospital TU Dresden
Classification: Pathogenic. Last evaluated: 2021-11-03. Review status: criteria provided, single submitter. Criteria: ACMG Guidelines, 2015. Collection method: clinical testing. Allele origin: germline.

Literature cited by the submitters: PubMed 19405097 (cited by Labcorp Genetics (formerly Invitae), Labcorp); PubMed 23613520 (cited by Labcorp Genetics (formerly Invitae), Labcorp).